The following is an entry in ClinVar:

ClinVar aggregate classification (germline): Benign/Likely benign. Review status: criteria provided, multiple submitters, no conflicts (2 of 4 stars). 2 submissions from 2 submitters: Benign (1); Likely benign (1). Last evaluated 2019-04-18.

Allele frequency attached by ClinVar (database versions not stated): TOPMed 0.16578; 1000 Genomes Project 0.17592; gnomAD exomes 0.19880; 1000 Genomes Project 30x 0.17833.
gnomAD v4.1: 25,667 of 151,786 alleles (17%); highest among the groups gnomAD compares: Admixed American, 19%; 2,246 homozygotes.

Submissions (2):

GeneDx
Classification: Benign. Last evaluated: 2019-04-18. Review status: criteria provided, single submitter. Criteria: GeneDx Variant Classification Process June 2021. Collection method: clinical testing. Allele origin: germline. Affected: yes.
Comment: This variant is associated with the following publications: (PMID: 30383794, 9403548, 22216295, 9931090, 19021695, 18802024)

Breakthrough Genomics
Classification: Likely benign. Review status: criteria provided, single submitter. Criteria: ACMG Guidelines, 2015. Collection method: not provided. Allele origin: germline. Inheritance: Autosomal recessive inheritance. Affected: yes.

NM_001382817.3(AGT):c.-30-3287A>C

Gene: AGT (angiotensinogen; minus strand). Cytogenetic location: 1q42.2.
Variant type: single nucleotide variant.
Coding change: c.-30-3287A>C on transcript NM_001382817.3; 3287 bases into the intron before 30 bases upstream of the start codon, A replaced by C.
Molecular consequence: intron variant.
Genome position (GRCh38, 1-based): chr1:230,714,140, T>G on the plus strand (A>C on the coding strand, the complement: AGT is on the minus strand). VCF-style: chr1-230714140-T-G. GRCh37 (hg19) VCF-style: chr1-230849886-T-G.
Identifiers: ClinVar variation 296092 (VCV000296092.10), dbSNP rs5050, ClinGen allele CA10610220.